The following is an entry in ClinVar:

NM_175614.5(NDUFA11):c.98-5C>T

Gene: NDUFA11 (NADH:ubiquinone oxidoreductase subunit A11; minus strand). Cytogenetic location: 19p13.3.
Variant type: single nucleotide variant.
Coding change: c.98-5C>T on transcript NM_175614.5 (MANE Select); 5 bases into the intron before coding-DNA position 98, C replaced by T.
Molecular consequence: intron variant.
Genome position (GRCh38, 1-based): chr19:5,897,002, G>A on the plus strand (C>T on the coding strand, the complement: NDUFA11 is on the minus strand). VCF-style: chr19-5897002-G-A. GRCh37 (hg19) VCF-style: chr19-5897013-G-A.
Other names: c.98-5C>T (NM_001193375.3).
Identifiers: ClinVar variation 382045 (VCV000382045.5), dbSNP rs368032547, ClinGen allele CA9119021.

ClinVar aggregate classification (germline): Likely benign. Review status: criteria provided, multiple submitters, no conflicts (2 of 4 stars). 2 submissions from 2 submitters: Likely benign (2). Last evaluated 2024-11-16.

Allele frequency attached by ClinVar (database versions not stated): ExAC 0.00002; gnomAD exomes 0.00002 and 0.00005; gnomAD 0.00005; TOPMed 0.00005; ESP Exome Variant Server 0.00008.
gnomAD v4.1: 76 of 1,612,390 alleles (0.0047%); highest among the groups gnomAD compares: Non-Finnish European, 0.0059%; no homozygotes.

Submissions (2):

Labcorp Genetics (formerly Invitae), Labcorp
Classification: Likely benign. Last evaluated: 2024-11-16. Review status: criteria provided, single submitter. Criteria: Invitae Variant Classification Sherloc (09022015). Collection method: clinical testing. Allele origin: germline.

GeneDx
Classification: Likely benign. Last evaluated: 2016-02-01. Review status: criteria provided, single submitter. Criteria: GeneDx Variant Classification (06012015). Collection method: clinical testing. Allele origin: germline. Affected: yes.
Comment: This variant is considered likely benign or benign based on one or more of the following criteria: it is a conservative change, it occurs at a poorly conserved position in the protein, it is predicted to be benign by multiple in silico algorithms, and/or has population frequency not consistent with disease.